The following is an entry in ClinVar:

ClinVar aggregate classification (germline): Conflicting classifications of pathogenicity. Review status: criteria provided, conflicting classifications (1 of 4 stars). 2 submissions from 2 submitters: Pathogenic (1); Uncertain significance (1). Last evaluated 2023-05-02.

Conditions:
Greig cephalopolysyndactyly syndrome (GCPS). Also called: GLI3-Related Greig Cephalopolysyndactyly Syndrome; POLYSYNDACTYLY WITH PECULIAR SKULL SHAPE; Greig syndrome. Identifiers: Orphanet 380, MedGen C0265306, MONDO:0008287, OMIM 175700.

Submissions (2):

Broad Center for Mendelian Genomics, Broad Institute of MIT and Harvard
Classification: Uncertain significance for Greig cephalopolysyndactyly syndrome. Last evaluated: 2023-05-02. Review status: criteria provided, single submitter. Criteria: ACMG Guidelines, 2015. Collection method: curation. Allele origin: germline. Inheritance: Autosomal dominant inheritance.
Comment: Trio exome analysis showed this variant to be de novo. The p.Gln1414AspfsTer21 variant in GLI3 has not been previously reported in individuals with Greig cephalopolysyndactyly syndrome. This variant was absent from large population studies. This variant is predicted to cause a frameshift, which alters the protein‚Äôs amino acid sequence beginning at position 1414 and leads to a premature termination codon 21 amino acids downstream. This termination codon occurs within the last exon and is more likely to escape nonsense mediated decay (NMD) and result in a truncated protein. Heterozygous loss of function of the GLI3 gene is an established disease mechanism of autosomal dominant Greig cephalopolysyndactyly syndrome. In summary, while there is some suspicion for a pathogenic role, the clinical significance of this variant is uncertain. ACMG/AMP Criteria applied: PVS1_Moderate, PM2_Supporting, PS2_Supporting (Richards 2015).

GeneDx
Classification: Pathogenic. Last evaluated: 2022-05-16. Review status: criteria provided, single submitter. Criteria: GeneDx Variant Classification Process June 2021. Collection method: clinical testing. Allele origin: germline. Affected: yes.
Comment: Frameshift variant predicted to result in protein truncation, as the last 167 amino acids are replaced with 20 different amino acids, and other loss-of-function variants have been reported downstream in HGMD; Not observed at significant frequency in large population cohorts (gnomAD); This variant is associated with the following publications: (PMID: 35436645)

NM_000168.6(GLI3):c.4236_4237del (p.Gln1414fs)

Gene: GLI3 (GLI family zinc finger 3; minus strand). Cytogenetic location: 7p14.1.
Variant type: Deletion.
Coding change: c.4236_4237del on transcript NM_000168.6 (MANE Select); coding-DNA positions 4236 to 4237, 2 bases deleted (AA; older notation c.4236_4237delAA).
Protein change: p.Gln1414fs; shifts the reading frame from glutamine 1414.
Molecular consequence: frameshift variant.
Genome position (GRCh38, 1-based): chr7:41,964,836-41,964,837, TT deleted on the plus strand (AA on the coding strand, the reverse complement: GLI3 is on the minus strand). VCF-style (leftmost placement, unchanged base first): chr7-41964835-CTT-C. GRCh37 (hg19) VCF-style: chr7-42004433-CTT-C.
Other names: NM_000168.6:c.4236_4237del; short protein forms Q1414fs.
Identifiers: ClinVar variation 2430874 (VCV002430874.2), dbSNP rs2484365220, ClinGen allele CA2579754015.
Genomic context (GRCh38, chr7:41,964,835, plus strand): 5'-CACAGCGGATGGGGCTGCCCTTTCATCTCCATCTTGATACCATTCACCCTGCAGGTCTGA[CTT>C]GTGTCACTGAGCTGTCCTGACTGCAGAGCAAGGCTGTCCCTCGGCATAGCCTGGCGCCTG-3'